The following is an entry in ClinVar:

NM_001042492.3(NF1):c.5856G>A (p.Trp1952Ter)

Gene: NF1 (neurofibromin 1; plus strand). Cytogenetic location: 17q11.2.
Variant type: single nucleotide variant.
Coding change: c.5856G>A on transcript NM_001042492.3 (MANE Select); coding-DNA position 5856, G replaced by A.
Protein change: p.Trp1952Ter; replaces tryptophan 1952 with a stop codon.
Molecular consequence: nonsense.
Genome position (GRCh38, 1-based): chr17:31,334,881, G>A. VCF-style: chr17-31334881-G-A. GRCh37 (hg19) VCF-style: chr17-29661899-G-A.
Other names: c.5793G>A, p.Trp1931Ter (NM_000267.4); short protein forms W1931*, W1952*.
Identifiers: ClinVar variation 488816 (VCV000488816.13), dbSNP rs1555534393, ClinGen allele CA399010649.

ClinVar aggregate classification (germline): Pathogenic. Review status: criteria provided, multiple submitters, no conflicts (2 of 4 stars). 4 submissions from 4 submitters: Pathogenic (4). Last evaluated 2025-11-13.

Conditions:
Cardiovascular phenotype. Identifiers: MedGen CN230736.
Hereditary cancer-predisposing syndrome. Also called: Tumor predisposition; Neoplastic Syndromes, Hereditary; Hereditary Cancer Syndrome; Hereditary neoplastic syndrome. Identifiers: Orphanet 140162, MedGen C0027672, MeSH D009386, MONDO:0015356.
Neurofibromatosis, type 1 (NF1). Also called: NEUROFIBROMATOSIS, TYPE I, SOMATIC; VON RECKLINGHAUSEN DISEASE; Neurofibromatosis, type I; Peripheral type neurofibromatosis. Identifiers: Orphanet 636, MedGen C0027831, MONDO:0018975, OMIM 162200. Disease mechanism: loss of function.

Submissions (4):

Labcorp Genetics (formerly Invitae), Labcorp
Classification: Pathogenic for Neurofibromatosis, type 1. Last evaluated: 2025-11-13. Review status: criteria provided, single submitter. Criteria: Invitae Variant Classification Sherloc (09022015). Collection method: clinical testing. Allele origin: germline.
Comment: This sequence change creates a premature translational stop signal (p.Trp1931*) in the NF1 gene. It is expected to result in an absent or disrupted protein product. Loss-of-function variants in NF1 are known to be pathogenic (PMID: 10712197, 23913538). This variant is not present in population databases (gnomAD no frequency). This premature translational stop signal has been observed in individual(s) with clinical features of neurofibromatosis type 1 (PMID: 16835897). ClinVar contains an entry for this variant (Variation ID: 488816). For these reasons, this variant has been classified as Pathogenic.

Ambry Genetics
Classification: Pathogenic for Cardiovascular phenotype; Hereditary cancer-predisposing syndrome. Last evaluated: 2024-08-22. Review status: criteria provided, single submitter. Criteria: Ambry Variant Classification Scheme 2023. Collection method: clinical testing. Allele origin: germline.
Comment: The p.W1931* pathogenic mutation (also known as c.5793G>A), located in coding exon 39 of the NF1 gene, results from a G to A substitution at nucleotide position 5793. This changes the amino acid from a tryptophan to a stop codon within coding exon 39. This alteration was observed in 1 of 77 Taiwanese/Chinese patients meeting diagnostic criteria for NF1 (Lee MJ et al. Hum Mutat, 2006 Aug;27:832). This variant is considered to be rare based on population cohorts in the Genome Aggregation Database (gnomAD). In addition to the clinical data presented in the literature, this alteration is expected to result in loss of function by premature protein truncation or nonsense-mediated mRNA decay. As such, this alteration is interpreted as a disease-causing mutation.

GeneDx
Classification: Pathogenic. Last evaluated: 2022-05-11. Review status: criteria provided, single submitter. Criteria: GeneDx Variant Classification Process June 2021. Collection method: clinical testing. Allele origin: germline. Affected: yes.
Comment: Nonsense variant predicted to result in protein truncation or nonsense mediated decay in a gene for which loss-of-function is a known mechanism of disease; Reported in the literature in association with NF1 (Griffiths 2007); Not observed at significant frequency in large population cohorts (gnomAD); This variant is associated with the following publications: (PMID: 25525159, 16944272)

Genome-Nilou Lab
Classification: Pathogenic for Neurofibromatosis, type 1. Last evaluated: 2022-03-15. Review status: criteria provided, single submitter. Criteria: ACMG Guidelines, 2015. Collection method: clinical testing. Allele origin: germline. Affected: no.

Literature cited by the submitters: PubMed 10712197 (cited by Labcorp Genetics (formerly Invitae), Labcorp); PubMed 23913538 (cited by Labcorp Genetics (formerly Invitae), Labcorp); PubMed 16835897 (cited by Labcorp Genetics (formerly Invitae), Labcorp and Ambry Genetics).